The following is an entry in ClinVar:

NM_012309.5(SHANK2):c.2841G>A (p.Glu947=)

Gene: SHANK2 (SH3 and multiple ankyrin repeat domains 2; minus strand). Cytogenetic location: 11q13.3.
Variant type: single nucleotide variant.
Coding change: c.2841G>A on transcript NM_012309.5 (MANE Select); coding-DNA position 2841, G replaced by A.
Protein change: p.Glu947=; no amino-acid change (glutamic acid 947 retained).
Molecular consequence: synonymous variant.
Genome position (GRCh38, 1-based): chr11:70,487,452, C>T on the plus strand (G>A on the coding strand, the complement: SHANK2 is on the minus strand). VCF-style: chr11-70487452-C-T. GRCh37 (hg19) VCF-style: chr11-70333557-C-T.
Other names: c.1704G>A, p.Glu568= (NM_001379226.1); c.2961G>A, p.Glu987= (NM_001441024.1); c.2790G>A, p.Glu930= (NM_001441025.1, NM_001441026.1, NM_001441027.1 and 8 more transcripts); c.2763G>A, p.Glu921= (NM_001441035.1, NM_001441036.1, NM_001441037.1); c.2718G>A, p.Glu906= (NM_001441038.1); c.1674G>A, p.Glu558= (NM_001441040.1); c.1626G>A, p.Glu542= (NM_001441041.1); c.1068G>A, p.Glu356= (NM_001441042.1); and 6 more.
Identifiers: ClinVar variation 4874307 (VCV004874307.2).

ClinVar aggregate classification (germline): Likely benign (1 of 4 stars; one submission).

Submission:

CeGaT Center for Human Genetics Tuebingen
Classification: Likely benign. Last evaluated: 2026-09-01. Review status: criteria provided, single submitter. Criteria: CeGaT Center For Human Genetics Tuebingen Variant Classification Criteria Version 2. Collection method: clinical testing. Allele origin: germline. Affected: yes. Observed: 2 variant alleles.
Comment: SHANK2: PM2:Supporting, BP4, BP7